The following is an entry in ClinVar:

NM_005360.5(MAF):c.260A>C (p.His87Pro)

Gene: MAF (MAF bZIP transcription factor; minus strand). Cytogenetic location: 16q23.2.
Variant type: single nucleotide variant.
Coding change: c.260A>C on transcript NM_005360.5 (MANE Select); coding-DNA position 260, A replaced by C.
Protein change: p.His87Pro; replaces histidine 87 with proline.
Molecular consequence: missense variant.
Genome position (GRCh38, 1-based): chr16:79,599,643, T>G on the plus strand (A>C on the coding strand, the complement: MAF is on the minus strand). VCF-style: chr16-79599643-T-G. GRCh37 (hg19) VCF-style: chr16-79633540-T-G.
Other names: c.260A>C, p.His87Pro (NM_001031804.3); short protein forms H87P.
Identifiers: ClinVar variation 2937188 (VCV002937188.3), dbSNP rs1031812704, ClinGen allele CA284128861.

ClinVar aggregate classification (germline): Uncertain significance (1 of 4 stars; one submission).

Conditions:
Cataract 21 multiple types. Also called: CATARACT 21, MULTIPLE TYPES, WITH OR WITHOUT MICROCORNEA; CATARACT 21, CERULEAN, WITH OR WITHOUT MICROCORNEA; CATARACT 21, MULTIPLE TYPES, WITH MICROCORNEA; Cataract, congenital, cerulean type, 4. Identifiers: Orphanet 91492, MedGen C1857768, MONDO:0012437, OMIM 610202.
Ayme-Gripp syndrome. Also called: Aymé-Gripp Syndrome. Identifiers: MedGen C1832812, MONDO:0010992, OMIM 601088.

Allele frequency attached by ClinVar (database versions not stated): gnomAD 0.00001; TOPMed 0.00002.
gnomAD v4.1: 4 of 1,611,430 alleles (0.00025%); highest among the groups gnomAD compares: Non-Finnish European, 0.00034%; no homozygotes.

Submission:

Labcorp Genetics (formerly Invitae), Labcorp
Classification: Uncertain significance for Cataract 21 multiple types; Ayme-Gripp syndrome. Last evaluated: 2026-01-12. Review status: criteria provided, single submitter. Criteria: Invitae Variant Classification Sherloc (09022015). Collection method: clinical testing. Allele origin: germline.
Comment: This sequence change replaces histidine, which is basic and polar, with proline, which is neutral and non-polar, at codon 87 of the MAF protein (p.His87Pro). This variant is present in population databases (no rsID available, gnomAD 0.001%). This variant has not been reported in the literature in individuals affected with MAF-related conditions. ClinVar contains an entry for this variant (Variation ID: 2937188). Invitae Evidence Modeling of protein sequence and biophysical properties (such as structural, functional, and spatial information, amino acid conservation, physicochemical variation, residue mobility, and thermodynamic stability) indicates that this missense variant is not expected to disrupt MAF protein function with a negative predictive value of 80%. In summary, the available evidence is currently insufficient to determine the role of this variant in disease. Therefore, it has been classified as a Variant of Uncertain Significance.